The following is an entry in ClinVar:

NM_001384732.1(CPLANE1):c.9012_9015delAGAC (p.Arg3006fs)

Gene: CPLANE1 (ciliogenesis and planar polarity effector complex subunit 1; minus strand). Cytogenetic location: 5p13.2.
Variant type: Deletion.
Coding change: c.9012_9015delAGAC on transcript NM_001384732.1 (MANE Select); coding-DNA positions 9012 to 9015, AGAC deleted.
Protein change: p.Arg3006fs; shifts the reading frame from arginine 3006.
Molecular consequence: frameshift variant.
Genome position: GRCh38 VCF-style: chr5-37122429-CCTGT-C. GRCh37 (hg19) VCF-style: chr5-37122531-CCTGT-C.
Other names: c.8850_8853delAGAC, p.Arg2952fs (NM_023073.4); short protein forms R2952fs, R3006fs.
Identifiers: ClinVar variation 2119161 (VCV002119161.4), dbSNP rs1285984652, ClinGen allele CA559020949.

ClinVar aggregate classification (germline): Pathogenic (1 of 4 stars; one submission).

Submission:

Labcorp Genetics (formerly Invitae), Labcorp
Classification: Pathogenic. Last evaluated: 2022-03-29. Review status: criteria provided, single submitter. Criteria: Invitae Variant Classification Sherloc (09022015). Collection method: clinical testing. Allele origin: germline.
Comment: This sequence change creates a premature translational stop signal (p.Arg2952Cysfs*17) in the CPLANE1 gene. It is expected to result in an absent or disrupted protein product. Loss-of-function variants in CPLANE1 are known to be pathogenic (PMID: 24178751, 26092869). This variant is present in population databases (no rsID available, gnomAD 0.006%). This variant has not been reported in the literature in individuals affected with CPLANE1-related conditions. Algorithms developed to predict the effect of sequence changes on RNA splicing suggest that this variant may disrupt the consensus splice site. For these reasons, this variant has been classified as Pathogenic.

Literature cited by the submitters: PubMed 24178751; PubMed 26092869.